The following is an entry in ClinVar:

ClinVar aggregate classification (germline): Likely pathogenic (1 of 4 stars; one submission).

Conditions:
Congenital myopathy 2c, severe infantile, autosomal dominant (CMYO2C). Identifiers: MedGen C5830333, MONDO:0859523, OMIM 620278.

Submission:

Juno Genomics, Hangzhou Juno Genomics, Inc
Classification: Likely pathogenic for Congenital myopathy 2c, severe infantile, autosomal dominant. Review status: criteria provided, single submitter. Criteria: ACMG Guidelines, 2015. Collection method: clinical testing. Allele origin: germline. Affected: yes.
Comment: Absent from controls (or at extremely low frequency if recessive) in Genome Aggregation Database, Exome Sequencing Project, 1000 Genomes Project, or Exome Aggregation Consortium.;De novo (both maternity and paternity confirmed) in a patient with the disease and no family history.;Multiple lines of computational evidence support a deleterious effect on the gene or gene product (conservation, evolutionary, splicing impact, etc).;Missense variant in a gene that has a low rate of benign missense variation and where missense variants are a common mechanism of disease.;Patient's phenotype or family history is highly specific for a disease with a single genetic etiology.

NM_001100.4(ACTA1):c.194G>T (p.Gly65Val)

Gene: ACTA1 (actin alpha 1, skeletal muscle; minus strand). Cytogenetic location: 1q42.13.
Variant type: single nucleotide variant.
Coding change: c.194G>T on transcript NM_001100.4 (MANE Select); coding-DNA position 194, G replaced by T.
Protein change: p.Gly65Val; replaces glycine 65 with valine.
Molecular consequence: missense variant.
Genome position (GRCh38, 1-based): chr1:229,432,816, C>A on the plus strand (G>T on the coding strand, the complement: ACTA1 is on the minus strand). VCF-style: chr1-229432816-C-A. GRCh37 (hg19) VCF-style: chr1-229568563-C-A.
Other names: short protein forms G65V.
Identifiers: ClinVar variation 3382820 (VCV003382820.2).
Genomic context (GRCh38, chr1:229,432,816, plus strand): 5'-TCCATGTCATCCCAGTTGGTGATGATGCCGTGCTCGATAGGGTACTTCAGGGTCAGGATA[C>A]CTCTCTTGCTCTGAGCCTCGTCGCCCACGTAGGAATCTTTCTGACCCATACCGACCATGA-3'
Protein context (NP_001091.1, residues 55-75): YVGDEAQSKR[Gly65Val]ILTLKYPIEH